The following is an entry in ClinVar:

NM_018089.3(ANKZF1):c.262-15_262-14del

Gene: ANKZF1 (ankyrin repeat and zinc finger peptidyl tRNA hydrolase 1; plus strand). Cytogenetic location: 2q35.
Variant type: Deletion.
Coding change: c.262-15_262-14del on transcript NM_018089.3 (MANE Select); 15 bases into the intron before coding-DNA position 262 through 14 bases into the intron before coding-DNA position 262, 2 bases deleted (TT; older notation c.262-15_262-14delTT).
Molecular consequence: intron variant.
Genome position (GRCh38, 1-based): chr2:219,232,245-219,232,246, TT deleted; deleting any 2 consecutive bases within chr2:219,232,244-219,232,246 gives the same sequence; the c. name uses the placement nearest the transcript's 3' end. VCF-style (leftmost placement, unchanged base first): chr2-219232243-CTT-C. GRCh37 (hg19) VCF-style: chr2-220096965-CTT-C.
Other names: c.262-15_262-14del (NM_001042410.2); c.-266-245_-266-244del (NM_001282792.2).
Identifiers: ClinVar variation 2996652 (VCV002996652.3), dbSNP rs1422109856, ClinGen allele CA764937056.

ClinVar aggregate classification (germline): Uncertain significance (1 of 4 stars; one submission).

Submission:

Labcorp Genetics (formerly Invitae), Labcorp
Classification: Uncertain significance. Last evaluated: 2023-12-23. Review status: criteria provided, single submitter. Criteria: Invitae Variant Classification Sherloc (09022015). Collection method: clinical testing. Allele origin: germline.
Comment: This sequence change falls in intron 3 of the ANKZF1 gene. It does not directly change the encoded amino acid sequence of the ANKZF1 protein. This variant is not present in population databases (gnomAD no frequency). This variant has not been reported in the literature in individuals affected with ANKZF1-related conditions. Algorithms developed to predict the effect of sequence changes on RNA splicing suggest that this variant may disrupt the consensus splice site. In summary, the available evidence is currently insufficient to determine the role of this variant in disease. Therefore, it has been classified as a Variant of Uncertain Significance.